The following is an entry in ClinVar:

ClinVar aggregate classification (germline): Benign. Review status: criteria provided, multiple submitters, no conflicts (2 of 4 stars). 2 submissions from 2 submitters: Benign (2). Last evaluated 2018-06-14.

Allele frequency attached by ClinVar (database versions not stated): 1000 Genomes Project 0.12460; 1000 Genomes Project 30x 0.12461; gnomAD exomes 0.15115; gnomAD 0.15545 and 0.15868; TOPMed 0.15903.
gnomAD v4.1: 231,832 of 1,530,176 alleles (15%); highest among the groups gnomAD compares: Middle Eastern, 19%; 18,029 homozygotes.

Submissions (2):

GeneDx
Classification: Benign. Last evaluated: 2018-06-14. Review status: criteria provided, single submitter. Criteria: GeneDx Variant Classification (06012015). Collection method: clinical testing. Allele origin: germline. Affected: yes.
Comment: This variant is considered likely benign or benign based on one or more of the following criteria: it is a conservative change, it occurs at a poorly conserved position in the protein, it is predicted to be benign by multiple in silico algorithms, and/or has population frequency not consistent with disease.

Breakthrough Genomics
Classification: Benign. Review status: criteria provided, single submitter. Criteria: ACMG Guidelines, 2015. Collection method: not provided. Allele origin: germline. Inheritance: Autosomal recessive inheritance. Affected: yes.

NM_001292063.2(OTOG):c.1644+69G>A

Gene: OTOG (otogelin; plus strand). Cytogenetic location: 11p15.1.
Variant type: single nucleotide variant.
Coding change: c.1644+69G>A on transcript NM_001292063.2 (MANE Select); 69 bases into the intron after coding-DNA position 1644, G replaced by A.
Molecular consequence: intron variant.
Genome position (GRCh38, 1-based): chr11:17,561,876, G>A. VCF-style: chr11-17561876-G-A. GRCh37 (hg19) VCF-style: chr11-17583423-G-A.
Other names: c.1680+69G>A (NM_001277269.2).
Identifiers: ClinVar variation 682655 (VCV000682655.2), dbSNP rs4757545, ClinGen allele CA13539560.
Genomic context (GRCh38, chr11:17,561,876, plus strand): 5'-TGGGGATCCCCAGGCCCGATCCACCCAGCTACTCCTGCCTACTGCCCCCAAGAGAGACTG[G>A]GACTTAGGACAGGGCTCAGGTCTTCCCATGGCCCCCACCTGCTGCCTCTTCTCTCTGGGG-3'